The following is an entry in ClinVar:

NM_006386.5(DDX17):c.1151_1155del (p.Leu384fs)

Gene: DDX17 (DEAD-box helicase 17; minus strand). Cytogenetic location: 22q13.1.
Variant type: Deletion.
Coding change: c.1151_1155del on transcript NM_006386.5 (MANE Select); coding-DNA positions 1151 to 1155, 5 bases deleted (TGAGT; older notation c.1151_1155delTGAGT).
Protein change: p.Leu384fs; shifts the reading frame from leucine 384.
Molecular consequence: frameshift variant.
Genome position (GRCh38, 1-based): chr22:38,494,689-38,494,693, ACTCA deleted on the plus strand (TGAGT on the coding strand, the reverse complement: DDX17 is on the minus strand); deleting any 5 consecutive bases within chr22:38,494,689-38,494,697 gives the same sequence; the c. name uses the placement nearest the transcript's 3' end. VCF-style (leftmost placement, unchanged base first): chr22-38494688-CACTCA-C. GRCh37 (hg19) VCF-style: chr22-38890693-CACTCA-C.
Other names: c.1151_1155del, p.Leu384fs (NM_001098504.2); short protein forms L384fs.
Identifiers: ClinVar variation 5010329 (VCV005010329.1).
Genomic context (GRCh38, chr22:38,494,688, plus strand): 5'-ACTTGTGGTCTTTTTCACTTTCCATGCAGACATCCACTATCTGGAGGATGTTGTGGTTGG[CACTCA>C]ACTCCAGATTGCCTACGTTGATCTGGGTGTAATCACGAAGGAAATCCTCTGCAAGCTGTC-3'

ClinVar aggregate classification (germline): Pathogenic (1 of 4 stars; one submission).

Conditions:
Paediatric disorders.

Submission:

North West Genomic Laboratory Hub, Manchester University NHS Foundation Trust
Classification: Pathogenic for Paediatric disorders. Last evaluated: 2025-07-31. Review status: criteria provided, single submitter. Criteria: ACGS Best Practice Guidelines for Variant Classification in Rare Disease 2024. Collection method: clinical testing. Allele origin: germline. Affected: yes.
Comment: PM2_Mod PVS1_VStr